The following is an entry in ClinVar:

NM_004211.5(SLC6A5):c.133_134delinsAA (p.Ala45Asn)

Gene: SLC6A5 (solute carrier family 6 member 5; plus strand). Cytogenetic location: 11p15.1.
Variant type: Indel.
Coding change: c.133_134delinsAA on transcript NM_004211.5 (MANE Select); coding-DNA positions 133 to 134, GC replaced by AA.
Protein change: p.Ala45Asn; replaces alanine 45 with asparagine.
Molecular consequence: missense variant. On other transcripts: 5 prime UTR variant (1).
Genome position (GRCh38, 1-based): chr11:20,601,258-20,601,259, GC replaced by AA. VCF-style: chr11-20601258-GC-AA. GRCh37 (hg19) VCF-style: chr11-20622804-GC-AA.
Other names: c.-431_-430delinsAA (NM_001318369.2); short protein forms A45N.
Identifiers: ClinVar variation 1383651 (VCV001383651.6), dbSNP rs2133767818, ClinGen allele CA2573146234.

ClinVar aggregate classification (germline): Uncertain significance (1 of 4 stars; one submission).

Conditions:
Hyperekplexia 3 (HKPX3). Also called: HYPEREKPLEXIA 3, AUTOSOMAL RECESSIVE; HYPEREKPLEXIA 3, AUTOSOMAL DOMINANT. Identifiers: Orphanet 3197, MedGen C3553288, MONDO:0013827, OMIM 614618.

Submission:

Labcorp Genetics (formerly Invitae), Labcorp
Classification: Uncertain significance for Hyperekplexia 3. Last evaluated: 2023-12-06. Review status: criteria provided, single submitter. Criteria: Invitae Variant Classification Sherloc (09022015). Collection method: clinical testing. Allele origin: germline.
Comment: This sequence change replaces alanine, which is neutral and non-polar, with asparagine, which is neutral and polar, at codon 45 of the SLC6A5 protein (p.Ala45Asn). Information on the frequency of this variant in the gnomAD database is not available, as this variant may be reported differently in the database. This variant has not been reported in the literature in individuals affected with SLC6A5-related conditions. ClinVar contains an entry for this variant (Variation ID: 1383651). An algorithm developed to predict the effect of missense changes on protein structure and function (PolyPhen-2) suggests that this variant is likely to be tolerated. In summary, the available evidence is currently insufficient to determine the role of this variant in disease. Therefore, it has been classified as a Variant of Uncertain Significance.